The following continues an entry in ClinVar:

NM_000540.3(RYR1):c.6487C>T (p.Arg2163Cys)

Gene: RYR1. ClinVar aggregate classification (germline): Pathogenic; drug response. Pathogenic (1).

Submissions 11 to 19 of 19:

Color Diagnostics, LLC DBA Color Health
Classification: Pathogenic for Malignant hyperthermia, susceptibility to, 1. Last evaluated: 2024-06-18. Review status: criteria provided, single submitter. Criteria: ACMG Guidelines, 2015. Collection method: clinical testing. Allele origin: germline. Not counted in ClinVar's aggregate classification.
Comment: This missense variant replaces arginine with cysteine at codon 2163 of the RYR1 protein. Computational prediction suggests that this variant may have deleterious impact on protein structure and function. Functional studies have shown that this mutant protein is more sensitive to RYR1 agonists than wild type (PMID: 9334205, 9873004, 12732639, 27586648). This variant has been reported in individuals and families affected with malignant hyperthermia (PMID: 9497245, 9497245, 30236257), and it has been shown that this variant segregates with disease in multiple families (PMID: 9497245). This variant has been identified in 3/250464 chromosomes in the general population by the Genome Aggregation Database (gnomAD). Different variants affecting the same codon, c.6488G>C (p.Arg2163Pro) and c.6488G>A (p.Arg2163His), are considered to be disease-causing (ClinVar variation ID: 133159, 12974), further supporting that this position is important for the protein function. Based on the available evidence, this variant is classified as Pathogenic.

All of Us Research Program, National Institutes of Health
Classification: Pathogenic for Malignant hyperthermia, susceptibility to, 1. Last evaluated: 2024-05-06. Review status: criteria provided, single submitter. Criteria: ACMG Guidelines, 2015. Collection method: clinical testing. Allele origin: germline. Inheritance: Autosomal dominant inheritance. Observed: 2 variant alleles, 2 heterozygotes. Not counted in ClinVar's aggregate classification.
Comment: The c.6487C>T (p.Arg2163Cys) variant, located on the exon 39 of the RYR1 gene, replaces arginine with cysteine at codon 2163 of the RYR1 protein (p.Arg2163Cys). This missense change has been observed in 4 individuals with personal or family histories of a malignant hyperthermia reaction, positive in vitro contracture test (IVCT) or caffeine halothane contracture test (CHCT) (PMID:10484775, 30236257, 9497245). This variant was observed to segregate with malignant hyperthermia (MHS) in more than 15 individuals (PMID:10484775, 30236257, 9497245). To be noted, this variant has been identified in an MH normal individual with a negative IVCT/CHCT result, indicating incomplete penetrance (PMID: 30236257). This missense variant is located in a mutational hot spot region that contributes to MHS (PMID: 21118704). A functional study in HEK293 cells shows an increased sensitivity to RYR1 agonists (PMID:9873004). Computational prediction (REVEL >0.85) suggests that this variant may have deleterious impact on protein structure and function. Additionally, an alteration affecting the same amino acid c.6488G>A (p.Arg2163His) was classified as pathogenic by the expert panel (ClinVar ID:12974). For these reasons, the c.6487C>T (p.Arg2163Cys) variant of RYR1 is classified as pathogenic.

This study involves interpretation of variants in research participants for the purpose of population health screening. Participant phenotype was not available at the time of variant classification. Additional details can be found in publication PMID: 35346344, PMCID: PMC8962531

GeneDx
Classification: Pathogenic. Last evaluated: 2022-03-18. Review status: criteria provided, single submitter. Criteria: GeneDx Variant Classification Process June 2021. Collection method: clinical testing. Allele origin: germline. Affected: yes. Not counted in ClinVar's aggregate classification.
Comment: Published functional studies indicate that R2163C alters channel dynamics by enhancing channel sensitivity compared to wild type (Yang et al., 2003; Murayama et al., 2016); Not observed at a significant frequency in large population cohorts (gnomAD); In silico analysis supports that this missense variant has a deleterious effect on protein structure/function; This variant is associated with the following publications: (PMID: 9334205, 9873004, 12732639, 30236257, 12124989, 12668474, 9497245, 27586648)

Blueprint Genetics
Classification: Pathogenic for RYR1-related disorders. Last evaluated: 2021-08-27. Review status: criteria provided, single submitter. Criteria: ACMG Guidelines, 2015. Collection method: clinical testing. Allele origin: germline. Affected: yes. Observed: 2 variant alleles. Not counted in ClinVar's aggregate classification.

CeGaT Center for Human Genetics Tuebingen
Classification: Pathogenic. Last evaluated: 2018-01-01. Review status: criteria provided, single submitter. Criteria: CeGaT Center For Human Genetics Tuebingen Variant Classification Criteria Version 2. Collection method: clinical testing. Allele origin: germline. Affected: yes. Observed: 1 variant allele. Not counted in ClinVar's aggregate classification.

PreventionGenetics, part of Exact Sciences
Classification: Pathogenic. Last evaluated: 2016-06-27. Review status: criteria provided, single submitter. Criteria: ACMG Guidelines, 2015. Collection method: clinical testing. Allele origin: germline. Not counted in ClinVar's aggregate classification.

GeneReviews
Classification: Pathogenic for Central Core Disease. Last evaluated: 2010-05-11. Review status: no assertion criteria provided. Collection method: curation. Allele origin: unknown. Not counted in ClinVar's aggregate classification.
ClinVar note: Converted during submission from pathologic to Pathogenic.

OMIM
Classification: risk factor for MALIGNANT HYPERTHERMIA, SUSCEPTIBILITY TO, 1. Last evaluated: 1998-03-01. Review status: no assertion criteria provided. Collection method: literature only. Allele origin: germline. Not counted in ClinVar's aggregate classification.

RYR1 database
No classification provided. Review status: no classification provided. Collection method: not provided. Allele origin: unknown. Not counted in ClinVar's aggregate classification.

Literature cited by the submitters: PubMed 10484775 (cited by ClinPGx and All of Us Research Program, National Institutes of Health); PubMed 12124989 (cited by ClinPGx and Labcorp Genetics (formerly Invitae), Labcorp); PubMed 9497245 (cited by 6 submitters); PubMed 30236257 (cited by 4 submitters); PubMed 9334205 (cited by 3 submitters); PubMed 9873004 (cited by 3 submitters); PubMed 12732639 (cited by 3 submitters); PubMed 27586648 (cited by 3 submitters); PubMed 16084090 (cited by Labcorp Genetics (formerly Invitae), Labcorp); PubMed 33564012 (cited by Ambry Genetics); PubMed 21118704 (cited by All of Us Research Program, National Institutes of Health).